The following is an entry in ClinVar:

NM_012203.2(GRHPR):c.103del (p.Asp35fs)

Gene: GRHPR (glyoxylate and hydroxypyruvate reductase; plus strand). Cytogenetic location: 9p13.2.
Variant type: Deletion.
Coding change: c.103del on transcript NM_012203.2 (MANE Select); coding-DNA position 103, one base deleted (G; older notation c.103delG).
Protein change: p.Asp35fs; shifts the reading frame from aspartic acid 35.
Molecular consequence: frameshift variant.
Genome position (GRCh38, 1-based): chr9:37,424,864, G deleted; the last of 3 consecutive G bases (chr9:37,424,862-37,424,864); deleting any one gives the same sequence. VCF-style (leftmost placement, unchanged base first): chr9-37424861-TG-T. GRCh37 (hg19) VCF-style: chr9-37424858-TG-T.
Other names: c.103delG (NM_012203.2); c.103del (NM_012203.1); short protein forms D35fs.
Identifiers: ClinVar variation 5636 (VCV000005636.46), dbSNP rs80356708, ClinGen allele CA340440.

ClinVar aggregate classification (germline): Pathogenic. Review status: criteria provided, multiple submitters, no conflicts (2 of 4 stars). 18 submissions from 18 submitters: Pathogenic (13). 5 of the submissions do not count toward it. Last evaluated 2026-04-01.

Conditions:
GRHPR-related disorder. Also called: GRHPR-related condition.
GRHPR-related disorders.
Kidney stone. Also called: Nephrolithiasis. Identifiers: MedGen C0392525, MONDO:0008171, HP:0000787.
Nephrocalcinosis. Also called: Hypercalcemic nephropathy. Identifiers: MedGen C0027709, MONDO:0001567, HP:0000121.
Primary hyperoxaluria, type II (HP2). Also called: Primary hyperoxaluria type 2; D-GLYCERATE DEHYDROGENASE DEFICIENCY; GLYCERIC ACIDURIA; GLYOXYLATE REDUCTASE/HYDROXYPYRUVATE REDUCTASE DEFICIENCY; OXALOSIS II. Identifiers: Orphanet 416, Orphanet 93599, MedGen C0268165, MONDO:0009824, OMIM 260000. Disease mechanism: loss of function.

Submissions 1 to 11 of 18:

Victorian Clinical Genetics Services, Murdoch Childrens Research Institute
Classification: Pathogenic for Primary hyperoxaluria, type II. Last evaluated: 2026-04-01. Review status: criteria provided, single submitter. Criteria: ACMG Guidelines, 2015. Collection method: clinical testing. Allele origin: germline. Affected: yes.
Comment: This variant is classified as Pathogenic. Evidence in support of pathogenic classification: Variant is predicted to cause nonsense-mediated decay (NMD) and loss of protein (premature termination codon is located at least 54 nucleotides upstream of the final exon-exon junction); Variant is present in gnomAD <0.01 for a recessive condition (v4: 801 heterozygote(s), 0 homozygote(s)); This variant has strong previous evidence of pathogenicity in unrelated individuals. This variant has been classified as pathogenic by multiple clinical laboratories in ClinVar; Other NMD-predicted variants comparable to the one identified in this case have very strong previous evidence for pathogenicity (ClinVar). Additional information: This variant is heterozygous; This gene is associated with autosomal recessive disease; Loss of function is a known mechanism of disease in this gene and is associated with hyperoxaluria, primary, type II (MIM#260000); Inheritance information for this variant is not currently available in this individual.

Labcorp Genetics (formerly Invitae), Labcorp
Classification: Pathogenic. Last evaluated: 2026-01-31. Review status: criteria provided, single submitter. Criteria: Invitae Variant Classification Sherloc (09022015). Collection method: clinical testing. Allele origin: germline.
Comment: This sequence change creates a premature translational stop signal (p.Asp35Thrfs*11) in the GRHPR gene. It is expected to result in an absent or disrupted protein product. Loss-of-function variants in GRHPR are known to be pathogenic (PMID: 25644115). This variant is present in population databases (rs746720647, gnomAD 0.05%). This premature translational stop signal has been observed in individuals with primary hyperoxaluria (PMID: 10484776, 15327387). ClinVar contains an entry for this variant (Variation ID: 5636). For these reasons, this variant has been classified as Pathogenic.

PreventionGenetics, part of Exact Sciences
Classification: Pathogenic for GRHPR-related condition. Last evaluated: 2025-11-07. Review status: criteria provided, single submitter. Criteria: ACMG Guidelines, 2015. Collection method: clinical testing. Allele origin: germline.
Comment: The GRHPR c.103delG variant is predicted to result in a frameshift and premature protein termination (p.Asp35Thrfs*11). This variant has been reported in the homozygous and compound heterozygous states in multiple individuals with primary hyperoxaluria type II (Cramer et al. 1999. PubMed ID: 10484776; Rumsby et al. 2004. PubMed ID: 15327387; Daga et al. 2017. PubMed ID: 28893421; Garrelfs et al. 2019. PubMed ID: 31685312). This variant is reported in 0.051% of alleles in individuals of European (Non-Finnish) descent in gnomAD. Frameshift variants in GRHPR are expected to be pathogenic. This variant is interpreted as pathogenic.

Rare Kidney Stone Consortium and the Mayo Clinic Hyperoxaluria Center, Mayo Clinic
Classification: Pathogenic for Primary hyperoxaluria, type II. Last evaluated: 2025-10-03. Review status: criteria provided, single submitter. Criteria: ACMG Guidelines, 2015. Collection method: research. Allele origin: germline. Affected: yes. Observed: 3 variant alleles.
Comment: ACMG:PVS1, PM2, PM3, PP5

Blueprint Genetics
Classification: Pathogenic for GRHPR-related disorders. Last evaluated: 2024-09-20. Review status: criteria provided, single submitter. Criteria: ACMG Guidelines, 2015. Collection method: clinical testing. Allele origin: germline. Affected: yes. Observed: 5 variant alleles.

Revvity Omics, Revvity
Classification: Pathogenic for Primary hyperoxaluria, type II. Last evaluated: 2024-09-05. Review status: criteria provided, single submitter. Criteria: ACMG Guidelines, 2015. Collection method: clinical testing. Allele origin: germline.

Fulgent Genetics
Classification: Pathogenic for Primary hyperoxaluria, type II. Last evaluated: 2024-06-11. Review status: criteria provided, single submitter. Criteria: ACMG Guidelines, 2015. Collection method: clinical testing. Allele origin: germline.

GeneDx
Classification: Pathogenic. Last evaluated: 2023-04-20. Review status: criteria provided, single submitter. Criteria: GeneDx Variant Classification Process June 2021. Collection method: clinical testing. Allele origin: germline. Affected: yes.
Comment: Frameshift variant predicted to result in protein truncation or nonsense mediated decay in a gene for which loss-of-function is a known mechanism of disease; This variant is associated with the following publications: (PMID: 16208537, 24116921, 18560364, 10484776, 31980526, 21228398, 14635115, 15327387, 11030416, 25644115, 28893421, 30609409, 31685312, 31589614)

Myriad Genetics, Inc.
Classification: Pathogenic for Primary hyperoxaluria, type II. Last evaluated: 2019-12-19. Review status: criteria provided, single submitter. Criteria: Myriad Women's Health Autosomal Recessive and X-Linked Classification Criteria (2019). Collection method: clinical testing. Allele origin: unknown.
Comment: NM_012203.1(GRHPR):c.103delG(D35Tfs*11) is classified as pathogenic in the context of type 2 primary hyperoxaluria. Sources cited for classification include the following: PMID 15327387, 18560364 and 10484776. Classification of NM_012203.1(GRHPR):c.103delG(D35Tfs*11) is based on the following criteria: The variant causes a premature termination codon that is expected to be targeted by nonsense-mediated mRNA decay and is reported in individuals with the relevant phenotype. Please note: this variant was assessed in the context of healthy population screening.

Illumina Laboratory Services, Illumina
Classification: Pathogenic for Primary hyperoxaluria, type II. Last evaluated: 2018-11-12. Review status: criteria provided, single submitter. Criteria: ICSL Variant Classification Criteria 09 May 2019. Collection method: clinical testing. Allele origin: germline.
Comment: The GRHPR c.103delG (p.Asp35ThrfsTer11) variant results in frameshift and is predicted to result in premature termination of the protein. The p.Asp35ThrfsTer11 variant is a commonly described pathogenic variant which has been reported in at least three studies in which it was identified in at least 16 individuals diagnosed with primary hyperoxaluria, type 2. The variant was identified in a homozygous state in 14 individuals including two sets of siblings, and in a compound heterozygous state in another two individuals (Cramer et al. 1999; Cregeen et al. 2003; Rumsby et al. 2004). The variant has only been reported in individuals in Caucasian origin (Rumsby et al. 2004). The p.Asp35ThrfsTer11 variant was absent from seven controls but is reported at a frequency of 0.002111 in the African American population of the Exome Sequencing Project. The variant is also found in a homozygous state in eight individuals of the Exome Sequencing Project which could be accounted for by variable phenotypic expression from a severe early onset to asymptomatic form. Enzyme activity in patient liver biopsies has been shown to range from 0-26% of control activity (Cregeen et al. 2003; Rumsby et al. 2004). Based on the collective evidence, the c.103delG (p.Asp35ThrfsTer11) variant is classified as pathogenic for primary hyperoxaluria. This variant was observed by ICSL as part of a predisposition screen in an ostensibly healthy population.

Women's Health and Genetics/Laboratory Corporation of America, LabCorp
Classification: Pathogenic for Primary hyperoxaluria, type II. Last evaluated: 2017-11-13. Review status: criteria provided, single submitter. Criteria: LabCorp Variant Classification Summary - May 2015. Collection method: clinical testing. Allele origin: germline.
Comment: Variant summary: The GRHPR c.103delG (p.Asp35ThrfsX11) variant results in a premature termination codon, predicted to cause a truncated or absent GRHPR protein due to nonsense mediated decay, which are commonly known mechanisms for disease. This variant was found in 62/274980 control chromosomes (gnomAD) at a frequency of 0.0002255, which does not exceed the estimated maximal expected allele frequency of a pathogenic GRHPR variant (0.0014434). Multiple publications have cited the variant in affected homozygote and compound heterozygote pts. In addition, multiple clinical diagnostic laboratories/reputable databases classified this variant as pathogenic. Taken together, this variant is classified as pathogenic.